The following is an entry in ClinVar:

NM_182710.3(KAT5):c.1539C>T (p.Ile513=)

Genes: KAT5 (lysine acetyltransferase 5; plus strand), RNASEH2C (ribonuclease H2 subunit C; minus strand). Cytogenetic location: 11q13.1.
Variant type: single nucleotide variant.
Coding change: c.1539C>T on transcript NM_182710.3 (MANE Select); coding-DNA position 1539, C replaced by T.
Protein change: p.Ile513=; no amino-acid change (isoleucine 513 retained).
Molecular consequence: synonymous variant. On other transcripts: 3 prime UTR variant (1).
Genome position (GRCh38, 1-based): chr11:65,719,079, C>T. VCF-style: chr11-65719079-C-T. GRCh37 (hg19) VCF-style: chr11-65486550-C-T.
Other names: c.1383C>T, p.Ile461= (NM_001206833.2); c.1440C>T, p.Ile480= (NM_006388.4); c.1284C>T, p.Ile428= (NM_182709.3); c.*704G>A (NM_032193.4).
Identifiers: ClinVar variation 4084139 (VCV004084139.8).

ClinVar aggregate classification (germline): Likely benign (1 of 4 stars; one submission).

gnomAD v4.1: 64 of 1,614,044 alleles (0.004%); highest among the groups gnomAD compares: Admixed American, 0.068%; no homozygotes.

Submission:

CeGaT Center for Human Genetics Tuebingen
Classification: Likely benign. Last evaluated: 2026-03-01. Review status: criteria provided, single submitter. Criteria: CeGaT Center For Human Genetics Tuebingen Variant Classification Criteria Version 2. Collection method: clinical testing. Allele origin: germline. Affected: yes. Observed: 2 variant alleles.
Comment: KAT5: BP4, BP7